The following is an entry in ClinVar:

NM_006899.5(IDH3B):c.517T>G (p.Ser173Ala)

Gene: IDH3B (isocitrate dehydrogenase (NAD(+)) 3 non-catalytic subunit beta; minus strand). Cytogenetic location: 20p13.
Variant type: single nucleotide variant.
Coding change: c.517T>G on transcript NM_006899.5 (MANE Select); coding-DNA position 517, T replaced by G.
Protein change: p.Ser173Ala; replaces serine 173 with alanine.
Molecular consequence: missense variant. On other transcripts: non-coding transcript variant (1).
Genome position (GRCh38, 1-based): chr20:2,660,711, A>C on the plus strand (T>G on the coding strand, the complement: IDH3B is on the minus strand). VCF-style: chr20-2660711-A-C. GRCh37 (hg19) VCF-style: chr20-2641357-A-C.
Other names: c.517T>G, p.Ser173Ala (NM_001258384.3, NM_001330763.2, NM_174855.4); short protein forms S173A.
Identifiers: ClinVar variation 1040407 (VCV001040407.8), dbSNP rs141149759, ClinGen allele CA9735271.

ClinVar aggregate classification (germline): Conflicting classifications of pathogenicity. Review status: criteria provided, conflicting classifications (1 of 4 stars). 2 submissions from 2 submitters: Uncertain significance (1); Likely benign (1). Last evaluated 2022-11-03.

Allele frequency attached by ClinVar (database versions not stated): gnomAD exomes 0.00001 and 0.00006; ExAC 0.00008; TOPMed 0.00019; gnomAD 0.00020 and 0.00022; ESP Exome Variant Server 0.00023; 1000 Genomes Project 30x 0.00031; 1000 Genomes Project 0.00040.

Submissions (2):

Labcorp Genetics (formerly Invitae), Labcorp
Classification: Uncertain significance. Last evaluated: 2022-11-03. Review status: criteria provided, single submitter. Criteria: Invitae Variant Classification Sherloc (09022015). Collection method: clinical testing. Allele origin: germline.
Comment: This sequence change replaces serine, which is neutral and polar, with alanine, which is neutral and non-polar, at codon 173 of the IDH3B protein (p.Ser173Ala). This variant is present in population databases (rs141149759, gnomAD 0.08%), and has an allele count higher than expected for a pathogenic variant. This variant has not been reported in the literature in individuals affected with IDH3B-related conditions. ClinVar contains an entry for this variant (Variation ID: 1040407). Advanced modeling of protein sequence and biophysical properties (such as structural, functional, and spatial information, amino acid conservation, physicochemical variation, residue mobility, and thermodynamic stability) performed at Invitae indicates that this missense variant is not expected to disrupt IDH3B protein function. In summary, the available evidence is currently insufficient to determine the role of this variant in disease. Therefore, it has been classified as a Variant of Uncertain Significance.

Blueprint Genetics
Classification: Likely benign. Last evaluated: 2020-02-14. Review status: criteria provided, single submitter. Criteria: ACMG Guidelines, 2015. Collection method: clinical testing. Allele origin: germline.